The following is an entry in ClinVar:

ClinVar aggregate classification (germline): Uncertain significance (1 of 4 stars; one submission).

Conditions:
Hereditary cancer-predisposing syndrome. Also called: Neoplastic Syndromes, Hereditary; Tumor predisposition; Hereditary Cancer Syndrome; Hereditary neoplastic syndrome. Identifiers: Orphanet 140162, MedGen C0027672, MeSH D009386, MONDO:0015356.

Submission:

Ambry Genetics
Classification: Uncertain significance for Hereditary cancer-predisposing syndrome. Last evaluated: 2026-04-12. Review status: criteria provided, single submitter. Criteria: Ambry Variant Classification Scheme 2023. Collection method: clinical testing. Allele origin: germline.
Comment: The p.F192I variant (also known as c.574T>A), located in coding exon 1 of the MET gene, results from a T to A substitution at nucleotide position 574. The phenylalanine at codon 192 is replaced by isoleucine, an amino acid with highly similar properties. This amino acid position is conserved. In addition, this alteration is predicted to be tolerated by in silico analysis. Based on the available evidence, the clinical significance of this variant remains unclear.

NM_000245.4(MET):c.574T>A (p.Phe192Ile)

Gene: MET (MET proto-oncogene, receptor tyrosine kinase; plus strand). Cytogenetic location: 7q31.2.
Variant type: single nucleotide variant.
Coding change: c.574T>A on transcript NM_000245.4 (MANE Select); coding-DNA position 574, T replaced by A.
Protein change: p.Phe192Ile; replaces phenylalanine 192 with isoleucine.
Molecular consequence: missense variant. On other transcripts: intron variant (1).
Genome position (GRCh38, 1-based): chr7:116,699,658, T>A. VCF-style: chr7-116699658-T-A. GRCh37 (hg19) VCF-style: chr7-116339712-T-A.
Other names: c.574T>A, p.Phe192Ile (NM_001127500.3, NM_001324401.3); c.-91+27081T>A (NM_001324402.2); short protein forms F192I.
Identifiers: ClinVar variation 4859962 (VCV004859962.1).